The following is an entry in ClinVar:

NM_001282468.3(GOLGA8M):c.804A>G (p.Lys268=)

Gene: GOLGA8M (golgin A8 family member M; minus strand). Cytogenetic location: 15q13.1.
Variant type: single nucleotide variant.
Coding change: c.804A>G on transcript NM_001282468.3 (MANE Select); coding-DNA position 804, A replaced by G.
Protein change: p.Lys268=; no amino-acid change (lysine 268 retained).
Molecular consequence: synonymous variant.
Genome position (GRCh38, 1-based): chr15:28,706,186, T>C on the plus strand (A>G on the coding strand, the complement: GOLGA8M is on the minus strand). VCF-style: chr15-28706186-T-C. GRCh37 (hg19) VCF-style: chr15-28951332-T-C.
Identifiers: ClinVar variation 3778556 (VCV003778556.7).

ClinVar aggregate classification (germline): Likely benign (1 of 4 stars; one submission).

Submission:

CeGaT Center for Human Genetics Tuebingen
Classification: Likely benign. Last evaluated: 2025-03-01. Review status: criteria provided, single submitter. Criteria: CeGaT Center For Human Genetics Tuebingen Variant Classification Criteria Version 2. Collection method: clinical testing. Allele origin: germline. Affected: yes. Observed: 1 variant allele.
Comment: GOLGA8M: BP4, BP7